The following is an entry in ClinVar:

NM_006019.4(TCIRG1):c.545T>C (p.Leu182Pro)

Gene: TCIRG1 (T cell immune regulator 1, ATPase H+ transporting V0 subunit a3; plus strand). Cytogenetic location: 11q13.2.
Variant type: single nucleotide variant.
Coding change: c.545T>C on transcript NM_006019.4 (MANE Select); coding-DNA position 545, T replaced by C.
Protein change: p.Leu182Pro; replaces leucine 182 with proline.
Molecular consequence: missense variant. On other transcripts: 5 prime UTR variant (2).
Genome position (GRCh38, 1-based): chr11:68,043,412, T>C. VCF-style: chr11-68043412-T-C. GRCh37 (hg19) VCF-style: chr11-67810879-T-C.
Other names: c.-366T>C (NM_001351059.2); c.-104T>C (NM_006053.4); short protein forms L182P.
Identifiers: ClinVar variation 3655813 (VCV003655813.2).

ClinVar aggregate classification (germline): Uncertain significance (1 of 4 stars; one submission).

Submission:

Labcorp Genetics (formerly Invitae), Labcorp
Classification: Uncertain significance. Last evaluated: 2024-07-04. Review status: criteria provided, single submitter. Criteria: Invitae Variant Classification Sherloc (09022015). Collection method: clinical testing. Allele origin: germline.
Comment: This sequence change replaces leucine, which is neutral and non-polar, with proline, which is neutral and non-polar, at codon 182 of the TCIRG1 protein (p.Leu182Pro). This variant is not present in population databases (gnomAD no frequency). This variant has not been reported in the literature in individuals affected with TCIRG1-related conditions. Advanced modeling of protein sequence and biophysical properties (such as structural, functional, and spatial information, amino acid conservation, physicochemical variation, residue mobility, and thermodynamic stability) performed at Invitae indicates that this missense variant is expected to disrupt TCIRG1 protein function with a positive predictive value of 80%. In summary, the available evidence is currently insufficient to determine the role of this variant in disease. Therefore, it has been classified as a Variant of Uncertain Significance.